The following is an entry in ClinVar:

ClinVar aggregate classification (germline): Likely benign. Review status: criteria provided, single submitter (1 of 4 stars). 2 submissions from 2 submitters: Likely benign (1). 1 of the submissions does not count toward it. Last evaluated 2020-01-14.

Conditions:
Congenital contractural arachnodactyly (CCA). Also called: BEALS SYNDROME; Arthrogryposis, distal, type 9; Beals-Hecht syndrome. Identifiers: Orphanet 115, MedGen C0220668, MONDO:0007363, OMIM 121050.
FBN2-related disorder. Also called: FBN2-related condition.

Allele frequency attached by ClinVar (database versions not stated): gnomAD exomes below 0.00001.
gnomAD v4.1: 7 of 1,613,562 alleles (0.00043%); highest among the groups gnomAD compares: African/African-American, 0.0053%; no homozygotes.

Submissions (2):

Labcorp Genetics (formerly Invitae), Labcorp
Classification: Likely benign for Congenital contractural arachnodactyly. Last evaluated: 2020-01-14. Review status: criteria provided, single submitter. Criteria: Invitae Variant Classification Sherloc (09022015). Collection method: clinical testing. Allele origin: germline.

PreventionGenetics, part of Exact Sciences
Classification: Likely benign for FBN2-related condition. Last evaluated: 2022-05-26. Review status: no assertion criteria provided. Collection method: clinical testing. Allele origin: germline. Not counted in ClinVar's aggregate classification.
Comment: This variant is classified as likely benign based on ACMG/AMP sequence variant interpretation guidelines (Richards et al. 2015 PMID: 25741868, with internal and published modifications).

NM_001999.4(FBN2):c.3472+9C>T

Gene: FBN2 (fibrillin 2; minus strand). Cytogenetic location: 5q23.3.
Variant type: single nucleotide variant.
Coding change: c.3472+9C>T on transcript NM_001999.4 (MANE Select); 9 bases into the intron after coding-DNA position 3472, C replaced by T.
Molecular consequence: intron variant.
Genome position (GRCh38, 1-based): chr5:128,338,924, G>A on the plus strand (C>T on the coding strand, the complement: FBN2 is on the minus strand). VCF-style: chr5-128338924-G-A. GRCh37 (hg19) VCF-style: chr5-127674616-G-A.
Other names: c.3472+9C>T (NM_001999.3).
Identifiers: ClinVar variation 1105569 (VCV001105569.11), dbSNP rs372520452, ClinGen allele CA127015481.
Genomic context (GRCh38, chr5:128,338,924, plus strand): 5'-GGTCATGCGCACGAATGAGTCTGTGCTAGTATGGTTTCAAGCTGGCGAGGAAGAGCTCAC[G>A]GTGCTTACCCATGCAGTTCTTCATCATCATGAAGCCACTTTCATAGCCTTCGAAGCACTC-3'